The following is an entry in ClinVar:

NM_001368809.2(AMPD2):c.2237A>G (p.Asn746Ser)

Gene: AMPD2 (adenosine monophosphate deaminase 2; plus strand). Cytogenetic location: 1p13.3.
Variant type: single nucleotide variant.
Coding change: c.2237A>G on transcript NM_001368809.2 (MANE Select); coding-DNA position 2237, A replaced by G.
Protein change: p.Asn746Ser; replaces asparagine 746 with serine.
Molecular consequence: missense variant.
Genome position (GRCh38, 1-based): chr1:109,630,762, A>G. VCF-style: chr1-109630762-A-G. GRCh37 (hg19) VCF-style: chr1-110173384-A-G.
Other names: c.2045A>G, p.Asn682Ser (NM_001257361.2); c.2174A>G, p.Asn725Ser (NM_001308170.1); c.2237A>G, p.Asn746Ser (NM_004037.9); c.2156A>G, p.Asn719Ser (NM_139156.4); c.2399A>G (NM_004037.6); short protein forms N719S, N725S, N682S, N746S.
Identifiers: ClinVar variation 1473287 (VCV001473287.5), dbSNP rs764032802, ClinGen allele CA993355.
Genomic context (GRCh38, chr1:109,630,762, plus strand): 5'-ACAGCATCGCCACCCAGGTGTGGAAGCTCAGCTCCTGCGATATGTGTGAGCTGGCCCGCA[A>G]CAGCGTGCTCATGAGCGGCTTCTCGCACAAGGTACTACAGCGCCTGCCTGGACCTTGGCA-3'
Protein context (NP_001355738.1, residues 736-756): SSCDMCELAR[Asn746Ser]SVLMSGFSHK

ClinVar aggregate classification (germline): Uncertain significance. Review status: criteria provided, multiple submitters, no conflicts (2 of 4 stars). 3 submissions from 3 submitters: Uncertain significance (3). Last evaluated 2025-12-08.

Conditions:
Inborn genetic diseases. Identifiers: MedGen C0950123, MeSH D030342.
Hereditary spastic paraplegia 63. Also called: Spastic paraplegia 63, autosomal recessive. Identifiers: Orphanet 401805, MedGen C3810295, MONDO:0014305, OMIM 615686.
Pontocerebellar hypoplasia type 9. Identifiers: Orphanet 369920, MedGen C4014354, MONDO:0014351, OMIM 615809.

Allele frequency attached by ClinVar (database versions not stated): TOPMed 0.00001; ExAC 0.00004; gnomAD 0.00006.
gnomAD v4.1: 69 of 1,611,288 alleles (0.0043%); highest among the groups gnomAD compares: Non-Finnish European, 0.0046%; no homozygotes.

Submissions (3):

Ambry Genetics
Classification: Uncertain significance for Inborn genetic diseases. Last evaluated: 2025-12-08. Review status: criteria provided, single submitter. Criteria: Ambry Variant Classification Scheme 2023. Collection method: clinical testing. Allele origin: germline.

GeneDx
Classification: Uncertain significance. Last evaluated: 2023-11-16. Review status: criteria provided, single submitter. Criteria: GeneDx Variant Classification Process June 2021. Collection method: clinical testing. Allele origin: germline. Affected: yes.
Comment: Not observed at significant frequency in large population cohorts (gnomAD); In silico analysis supports that this missense variant has a deleterious effect on protein structure/function; Has not been previously published as pathogenic or benign to our knowledge

Labcorp Genetics (formerly Invitae), Labcorp
Classification: Uncertain significance for Pontocerebellar hypoplasia type 9; Hereditary spastic paraplegia 63. Last evaluated: 2021-09-01. Review status: criteria provided, single submitter. Criteria: Invitae Variant Classification Sherloc (09022015). Collection method: clinical testing. Allele origin: germline.